The following is an entry in ClinVar:

ClinVar aggregate classification (germline): Uncertain significance (1 of 4 stars; one submission).

Conditions:
Hereditary cancer-predisposing syndrome. Also called: Tumor predisposition; Neoplastic Syndromes, Hereditary; Hereditary Cancer Syndrome; Hereditary neoplastic syndrome. Identifiers: Orphanet 140162, MedGen C0027672, MeSH D009386, MONDO:0015356.

gnomAD v4.1: 2 of 1,613,056 alleles (0.00012%); highest among the groups gnomAD compares: South Asian, 0.0022%; no homozygotes.

Submission:

Ambry Genetics
Classification: Uncertain significance for Hereditary cancer-predisposing syndrome. Last evaluated: 2025-02-07. Review status: criteria provided, single submitter. Criteria: Ambry Variant Classification Scheme 2023. Collection method: clinical testing. Allele origin: germline.
Comment: The p.T226A variant (also known as c.676A>G), located in coding exon 6 of the NBN gene, results from an A to G substitution at nucleotide position 676. The threonine at codon 226 is replaced by alanine, an amino acid with similar properties. This amino acid position is conserved. In addition, the in silico prediction for this alteration is inconclusive. Based on the available evidence, the clinical significance of this variant remains unclear.

NM_002485.5(NBN):c.676A>G (p.Thr226Ala)

Gene: NBN (nibrin; minus strand). Cytogenetic location: 8q21.3.
Variant type: single nucleotide variant.
Coding change: c.676A>G on transcript NM_002485.5 (MANE Select); coding-DNA position 676, A replaced by G.
Protein change: p.Thr226Ala; replaces threonine 226 with alanine.
Molecular consequence: missense variant.
Genome position (GRCh38, 1-based): chr8:89,971,199, T>C on the plus strand (A>G on the coding strand, the complement: NBN is on the minus strand). VCF-style: chr8-89971199-T-C. GRCh37 (hg19) VCF-style: chr8-90983427-T-C.
Other names: c.430A>G, p.Thr144Ala (NM_001024688.3); short protein forms T144A, T226A.
Identifiers: ClinVar variation 3877901 (VCV003877901.1).